The following is an entry in ClinVar:

NM_052844.4(DYNC2I2):c.295C>T (p.Pro99Ser)

Gene: DYNC2I2 (dynein 2 intermediate chain 2; minus strand). Cytogenetic location: 9q34.11.
Variant type: single nucleotide variant.
Coding change: c.295C>T on transcript NM_052844.4 (MANE Select); coding-DNA position 295, C replaced by T.
Protein change: p.Pro99Ser; replaces proline 99 with serine.
Molecular consequence: missense variant.
Genome position (GRCh38, 1-based): chr9:128,640,831, G>A on the plus strand (C>T on the coding strand, the complement: DYNC2I2 is on the minus strand). VCF-style: chr9-128640831-G-A. GRCh37 (hg19) VCF-style: chr9-131403110-G-A.
Other names: c.295C>T (NM_052844.3); short protein forms P99S.
Identifiers: ClinVar variation 2065889 (VCV002065889.5), dbSNP rs754573882, ClinGen allele CA5266670.

ClinVar aggregate classification (germline): Conflicting classifications of pathogenicity. Review status: criteria provided, conflicting classifications (1 of 4 stars). 2 submissions from 2 submitters: Uncertain significance (1); Likely benign (1). Last evaluated 2026-07-23.

Conditions:
Inborn genetic diseases. Identifiers: MedGen C0950123, MeSH D030342.
Short-rib thoracic dysplasia 11 with or without polydactyly (SRTD11). Also called: SHORT-RIB THORACIC DYSPLASIA 11 WITHOUT POLYDACTYLY. Identifiers: Orphanet 474, Orphanet 93271, MedGen C3810200, MONDO:0014287, OMIM 615633.

gnomAD v4.1: 7 of 1,613,838 alleles (0.00043%); highest among the groups gnomAD compares: Non-Finnish European, 0.00059%; no homozygotes.

Submissions (2):

Ambry Genetics
Classification: Likely benign for Inborn genetic diseases. Last evaluated: 2026-07-23. Review status: criteria provided, single submitter. Criteria: Ambry Variant Classification Scheme 2023. Collection method: clinical testing. Allele origin: germline.

Labcorp Genetics (formerly Invitae), Labcorp
Classification: Uncertain significance for Short-rib thoracic dysplasia 11 with or without polydactyly. Last evaluated: 2025-10-14. Review status: criteria provided, single submitter. Criteria: Invitae Variant Classification Sherloc (09022015). Collection method: clinical testing. Allele origin: germline.
Comment: This sequence change replaces proline, which is neutral and non-polar, with serine, which is neutral and polar, at codon 99 of the WDR34 protein (p.Pro99Ser). This variant is present in population databases (rs754573882, gnomAD 0.003%). This variant has not been reported in the literature in individuals affected with WDR34-related conditions. ClinVar contains an entry for this variant (Variation ID: 2065889). An algorithm developed to predict the effect of missense changes on protein structure and function outputs the following: PolyPhen-2: "Benign". The serine amino acid residue is found in multiple mammalian species, which suggests that this missense change does not adversely affect protein function. In summary, the available evidence is currently insufficient to determine the role of this variant in disease. Therefore, it has been classified as a Variant of Uncertain Significance.